The following is an entry in ClinVar:

ClinVar aggregate classification (germline): Pathogenic/Likely pathogenic. Review status: criteria provided, multiple submitters, no conflicts (2 of 4 stars). 7 submissions from 7 submitters: Pathogenic (5); Likely pathogenic (2). Last evaluated 2026-01-07.

Conditions:
Hereditary cancer-predisposing syndrome. Also called: Neoplastic Syndromes, Hereditary; Tumor predisposition; Hereditary Cancer Syndrome; Hereditary neoplastic syndrome. Identifiers: Orphanet 140162, MedGen C0027672, MeSH D009386, MONDO:0015356.
Familial cancer of breast. Also called: BREAST CANCER, FAMILIAL; hereditary breast carcinoma; Hereditary breast cancer. Identifiers: Orphanet 227535, MedGen C0346153, MONDO:0016419, OMIM 114480. Disease mechanism: loss of function.

Submissions (7):

Labcorp Genetics (formerly Invitae), Labcorp
Classification: Pathogenic for Familial cancer of breast. Last evaluated: 2026-01-07. Review status: criteria provided, single submitter. Criteria: Invitae Variant Classification Sherloc (09022015). Collection method: clinical testing. Allele origin: germline.
Comment: This sequence change creates a premature translational stop signal (p.Asn446Thrfs*23) in the CHEK2 gene. It is expected to result in an absent or disrupted protein product. Loss-of-function variants in CHEK2 are known to be pathogenic (PMID: 21876083, 24713400). This variant is not present in population databases (gnomAD no frequency). This variant has not been reported in the literature in individuals affected with CHEK2-related conditions. ClinVar contains an entry for this variant (Variation ID: 232235). For these reasons, this variant has been classified as Pathogenic.

Ambry Genetics
Classification: Pathogenic for Hereditary cancer-predisposing syndrome. Last evaluated: 2025-08-26. Review status: criteria provided, single submitter. Criteria: Ambry Variant Classification Scheme 2023. Collection method: clinical testing. Allele origin: germline.
Comment: The c.1337delA pathogenic mutation, located in coding exon 11 of the CHEK2 gene, results from a deletion of one nucleotide at nucleotide position 1337, causing a translational frameshift with a predicted alternate stop codon (p.N446Tfs*23). This variant is considered to be rare based on population cohorts in the Genome Aggregation Database (gnomAD). This alteration is expected to result in loss of function by premature protein truncation or nonsense-mediated mRNA decay. As such, this alteration is interpreted as a disease-causing mutation.

Color Diagnostics, LLC DBA Color Health
Classification: Pathogenic for Hereditary cancer-predisposing syndrome. Last evaluated: 2023-12-05. Review status: criteria provided, single submitter. Criteria: ACMG Guidelines, 2015. Collection method: clinical testing. Allele origin: germline.
Comment: This variant deletes 1 nucleotide in exon 12 of the CHEK2 gene, creating a frameshift and premature translation stop signal. This variant is expected to result in an absent or non-functional protein product. This variant has been reported in an individual affected with a pancreatic neuroendocrine tumor (PMID: 30687805). This variant has not been identified in the general population by the Genome Aggregation Database (gnomAD). Loss of CHEK2 function is a known mechanism of disease. Based on the available evidence, this variant is classified as Pathogenic.

Myriad Genetics, Inc.
Classification: Pathogenic for Familial cancer of breast. Last evaluated: 2023-06-28. Review status: criteria provided, single submitter. Criteria: Myriad Autosomal Dominant, Autosomal Recessive and X-Linked Classification Criteria (2023). Collection method: clinical testing. Allele origin: unknown.
Comment: This variant is considered pathogenic. This variant creates a frameshift predicted to result in premature protein truncation.

Baylor Genetics
Classification: Pathogenic for Familial cancer of breast. Last evaluated: 2022-05-16. Review status: criteria provided, single submitter. Criteria: ACMG Guidelines, 2015. Collection method: clinical testing. Allele origin: unknown.

Quest Diagnostics Nichols Institute San Juan Capistrano
Classification: Likely pathogenic. Last evaluated: 2017-07-21. Review status: criteria provided, single submitter. Criteria: Quest Diagnostics criteria. Collection method: clinical testing. Allele origin: germline.

GeneDx
Classification: Likely pathogenic. Last evaluated: 2016-02-01. Review status: criteria provided, single submitter. Criteria: GeneDx Variant Classification (06012015). Collection method: clinical testing. Allele origin: germline. Affected: yes.
Comment: This deletion of one nucleotide in CHEK2 is denoted c.1337delA at the cDNA level and p.Asn446ThrfsX23 (N446TfsX23) at the protein level. The normal sequence, with the base that is deleted in braces, is TACA[A]CTTC. The deletion causes a frameshift, which changes an Asparagine to a Threonine at codon 446, and creates a premature stop codon at position 23 of the new reading frame. Although this variant has not, to our knowledge, been reported in the literature, it is predicted to cause loss of normal protein function through either protein truncation or nonsense-mediated mRNA decay. Based on the currently available information, we consider this deletion to be a likely pathogenic variant.

Literature cited by the submitters: PubMed 21876083 (cited by Labcorp Genetics (formerly Invitae), Labcorp); PubMed 24713400 (cited by Labcorp Genetics (formerly Invitae), Labcorp); PubMed 30687805 (cited by Color Diagnostics, LLC DBA Color Health).

NM_007194.4(CHEK2):c.1337del (p.Asn446fs)

Gene: CHEK2 (checkpoint kinase 2; minus strand). Cytogenetic location: 22q12.1.
Variant type: Deletion.
Coding change: c.1337del on transcript NM_007194.4 (MANE Select); coding-DNA position 1337, one base deleted (A; older notation c.1337delA).
Protein change: p.Asn446fs; shifts the reading frame from asparagine 446.
Molecular consequence: frameshift variant.
Genome position (GRCh38, 1-based): chr22:28,695,165, T deleted on the plus strand (A on the coding strand, the reverse complement: CHEK2 is on the minus strand); the first of 2 consecutive T bases (chr22:28,695,165-28,695,166); deleting either gives the same sequence. VCF-style (leftmost placement, unchanged base first): chr22-28695164-GT-G. GRCh37 (hg19) VCF-style: chr22-29091152-GT-G.
Other names: c.1465delA, p.Asn489Thrfs (NM_001005735.3); c.673delA, p.Asn225Thrfs (NM_001257387.3); c.1135delA, p.Asn379Thrfs (NM_001349956.3); c.1249delA, p.Asn417Thrfs (NM_145862.3); short protein forms N417fs, N489fs, N446fs, N225fs, N379fs.
Identifiers: ClinVar variation 232235 (VCV000232235.24), dbSNP rs876659639, ClinGen allele CA10581040.
Genomic context (GRCh38, chr22:28,695,164, plus strand): 5'-TCTTAACCCTTTCATATTCATACCTTTCTCTGAGACTTCTGCCCAGACTTCAGGAATGAA[GT>G]TGTATTTTCCACTGGTGATCTGATCCTTCAGTGACACTTGAGTCCTATGCTCAGAGAAAG-3'